The following is an entry in ClinVar:

ClinVar aggregate classification (germline): Conflicting classifications of pathogenicity. Review status: criteria provided, conflicting classifications (1 of 4 stars). 3 submissions from 3 submitters: Uncertain significance (2); Likely benign (1). Last evaluated 2023-08-01.

Conditions:
Vesicoureteral reflux 2 (VUR2). Identifiers: Orphanet 289365, MedGen C1970483, MONDO:0012573, OMIM 610878.

Allele frequency attached by ClinVar (database versions not stated): gnomAD exomes 0.01950; ExAC 0.06959.

Submissions (3):

CeGaT Center for Human Genetics Tuebingen
Classification: Likely benign. Last evaluated: 2023-08-01. Review status: criteria provided, single submitter. Criteria: CeGaT Center For Human Genetics Tuebingen Variant Classification Criteria Version 2. Collection method: clinical testing. Allele origin: germline. Affected: yes. Observed: 1 variant allele.
Comment: ROBO2: BS1

Department of Pathology and Laboratory Medicine, Sinai Health System
Classification: Uncertain significance for Vesicoureteral reflux 2. Last evaluated: 2023-04-17. Review status: criteria provided, single submitter. Criteria: ACMG Guidelines, 2015. Collection method: research. Allele origin: germline.

Lupski Lab, Baylor-Hopkins CMG, Baylor College of Medicine
Classification: Uncertain significance for Vesicoureteral reflux 2. Review status: criteria provided, single submitter. Criteria: Bekheirnia et al. (Genet Med. 2016). Collection method: research. Allele origin: unknown. Inheritance: Autosomal dominant inheritance. Affected: no. Observed: 3 heterozygotes.

NM_001128929.3(ROBO2):c.97G>T (p.Gly33Ter)

Gene: ROBO2 (roundabout guidance receptor 2; plus strand). Cytogenetic location: 3p12.3.
Variant type: single nucleotide variant.
Coding change: c.97G>T on transcript NM_001128929.3; coding-DNA position 97, G replaced by T.
Protein change: p.Gly33Ter; replaces glycine 33 with a stop codon.
Molecular consequence: nonsense.
Genome position (GRCh38, 1-based): chr3:75,937,590, G>T. VCF-style: chr3-75937590-G-T. GRCh37 (hg19) VCF-style: chr3-75986741-G-T.
Other names: c.97G>T, p.Gly33Ter (NM_001378196.1, NM_001378200.1, NM_001378201.1 and 4 more transcripts); short protein forms G33*.
Identifiers: ClinVar variation 224347 (VCV000224347.26), dbSNP rs747011633, ClinGen allele CA16044139.